The following is an entry in ClinVar:

NM_000222.3(KIT):c.511A>G (p.Met171Val)

Gene: KIT (KIT proto-oncogene, receptor tyrosine kinase; plus strand). Cytogenetic location: 4q12.
Variant type: single nucleotide variant.
Coding change: c.511A>G on transcript NM_000222.3 (MANE Select); coding-DNA position 511, A replaced by G.
Protein change: p.Met171Val; replaces methionine 171 with valine.
Molecular consequence: missense variant.
Genome position (GRCh38, 1-based): chr4:54,698,457, A>G. VCF-style: chr4-54698457-A-G. GRCh37 (hg19) VCF-style: chr4-55564623-A-G.
Other names: c.511A>G, p.Met171Val (NM_001093772.2, NM_001385284.1, NM_001385285.1 and 4 more transcripts); short protein forms M171V.
Identifiers: ClinVar variation 2860448 (VCV002860448.5), dbSNP rs2475452035, ClinGen allele CA356897742.

ClinVar aggregate classification (germline): Conflicting classifications of pathogenicity. Review status: criteria provided, conflicting classifications (1 of 4 stars). 2 submissions from 2 submitters: Uncertain significance (1); Likely benign (1). Last evaluated 2025-07-24.

Conditions:
Gastrointestinal stromal tumor. Also called: Gastrointestinal stromal tumor, somatic; Gastrointestinal stroma tumor. Identifiers: Orphanet 44890, MedGen C0238198, MeSH D046152, MONDO:0011719, OMIM 606764, HP:0100723.
Hereditary cancer-predisposing syndrome. Also called: Neoplastic Syndromes, Hereditary; Tumor predisposition; Hereditary Cancer Syndrome; Hereditary neoplastic syndrome. Identifiers: Orphanet 140162, MedGen C0027672, MeSH D009386, MONDO:0015356.

Allele frequency attached by ClinVar (database versions not stated): gnomAD exomes below 0.00001.

Submissions (2):

Ambry Genetics
Classification: Likely benign for Hereditary cancer-predisposing syndrome. Last evaluated: 2025-07-24. Review status: criteria provided, single submitter. Criteria: Ambry Variant Classification Scheme 2023. Collection method: clinical testing. Allele origin: germline.

Labcorp Genetics (formerly Invitae), Labcorp
Classification: Uncertain significance for Gastrointestinal stromal tumor. Last evaluated: 2024-03-09. Review status: criteria provided, single submitter. Criteria: Invitae Variant Classification Sherloc (09022015). Collection method: clinical testing. Allele origin: germline.
Comment: This sequence change replaces methionine, which is neutral and non-polar, with valine, which is neutral and non-polar, at codon 171 of the KIT protein (p.Met171Val). This variant is not present in population databases (gnomAD no frequency). This variant has not been reported in the literature in individuals affected with KIT-related conditions. Algorithms developed to predict the effect of missense changes on protein structure and function output the following: SIFT: "Not Available"; PolyPhen-2: "Benign"; Align-GVGD: "Not Available". The valine amino acid residue is found in multiple mammalian species, which suggests that this missense change does not adversely affect protein function. In summary, the available evidence is currently insufficient to determine the role of this variant in disease. Therefore, it has been classified as a Variant of Uncertain Significance.